The following is an entry in ClinVar:

ClinVar aggregate classification (germline): Uncertain significance (1 of 4 stars; one submission).

Allele frequency attached by ClinVar (database versions not stated): gnomAD exomes below 0.00001; TOPMed below 0.00001; gnomAD 0.00001.
gnomAD v4.1: 3 of 1,614,026 alleles (0.00019%); highest among the groups gnomAD compares: African/African-American, 0.004%; no homozygotes.

Submission:

Ambry Genetics
Classification: Uncertain significance. Last evaluated: 2021-10-29. Review status: criteria provided, single submitter. Criteria: Ambry Variant Classification Scheme 2023. Collection method: clinical testing. Allele origin: germline.
Comment: The p.T314I variant (also known as c.941C>T), located in coding exon 2 of the PALLD gene, results from a C to T substitution at nucleotide position 941. The threonine at codon 314 is replaced by isoleucine, an amino acid with similar properties. This amino acid position is conserved. In addition, this alteration is predicted to be tolerated by in silico analysis. Since supporting evidence is limited at this time, the clinical significance of this alteration remains unclear.

NM_001166108.2(PALLD):c.941C>T (p.Thr314Ile)

Gene: PALLD (palladin, cytoskeletal associated protein; plus strand). Cytogenetic location: 4q32.3.
Variant type: single nucleotide variant.
Coding change: c.941C>T on transcript NM_001166108.2 (MANE Select); coding-DNA position 941, C replaced by T.
Protein change: p.Thr314Ile; replaces threonine 314 with isoleucine.
Molecular consequence: missense variant. On other transcripts: 5 prime UTR variant (1).
Genome position (GRCh38, 1-based): chr4:168,668,222, C>T. VCF-style: chr4-168668222-C-T. GRCh37 (hg19) VCF-style: chr4-169589373-C-T.
Other names: c.-206C>T (NM_001166109.2); c.941C>T, p.Thr314Ile (NM_016081.4); short protein forms T314I.
Identifiers: ClinVar variation 1766897 (VCV001766897.2), dbSNP rs1030426931, ClinGen allele CA110492531.